The following is an entry in ClinVar:

NM_000276.4(OCRL):c.1316_1317del (p.Ile439fs)

Gene: OCRL (OCRL inositol polyphosphate-5-phosphatase; plus strand). Cytogenetic location: Xq26.1.
Variant type: Deletion.
Coding change: c.1316_1317del on transcript NM_000276.4 (MANE Select); coding-DNA positions 1316 to 1317, 2 bases deleted (TT; older notation c.1316_1317delTT).
Protein change: p.Ile439fs; shifts the reading frame from isoleucine 439.
Molecular consequence: frameshift variant.
Genome position (GRCh38, 1-based): chrX:129,565,843-129,565,844, TT deleted. VCF-style (leftmost placement, unchanged base first): chrX-129565842-ATT-A. GRCh37 (hg19) VCF-style: chrX-128699819-ATT-A.
Other names: c.1319_1320del, p.Ile440fs (NM_001318784.2); c.1316_1317del, p.Ile439fs (NM_001587.4); short protein forms I439fs, I440fs.
Identifiers: ClinVar variation 5021126 (VCV005021126.1).
Genomic context (GRCh38, chrX:129,565,842, plus strand): 5'-TGGTTGGGAGATTTGAATTATAGACTTTGCATGCCTGATGCCAATGAGGTGAAAAGTCTT[ATT>A]AATAAGAAAGACCTTCAGAGACTCTTGAAATTCGACCAGGTAAGTAAAGTTTCATTTTAT-3'

ClinVar aggregate classification (germline): Likely pathogenic (1 of 4 stars; one submission).

Conditions:
Lowe syndrome (OCRL). Also called: Oculocerebrorenal Syndrome; LOWE OCULOCEREBRORENAL SYNDROME; PHOSPHATIDYLINOSITOL 4,5-BISPHOSPHATE 5-PHOSPHATASE DEFICIENCY. Identifiers: Orphanet 534, MedGen C0028860, MONDO:0010645, OMIM 309000.

Submission:

Advanced Eye Centre, Postgraduate Institute of Medical Education and Research (PGIMER)
Classification: Likely pathogenic for Lowe syndrome. Last evaluated: 2026-09-02. Review status: criteria provided, single submitter. Criteria: ACMG Guidelines, 2015. Collection method: clinical testing. Allele origin: germline. Inheritance: X-linked recessive inheritance. Affected: yes. Observed: 1 variant allele, 1 hemizygote.
Comment: The variant OCRL c.1316_1317del (p.Ile439Lysfs*2) is a frameshift variant predicted to introduce a premature termination codon and undergo nonsense-mediated decay. It is located in exon 13 of 24 coding exons and is not within the last coding exon or the final 50 bp of the penultimate exon. Loss of function is an established disease mechanism for OCRL. Multiple pathogenic truncating variants have been reported across the gene, supporting the applicability of PVS1. PM2: The variant is absent/rare in population databases (e.g., gnomAD), consistent with the expected rarity of pathogenic OCRL variants. total assertion score = 9 points.